The following is an entry in ClinVar:

ClinVar aggregate classification (germline): Uncertain significance (1 of 4 stars; one submission).

Conditions:
Alstrom syndrome (ALMS). Identifiers: Orphanet 64, MedGen C0268425, MONDO:0008763, OMIM 203800.

Submission:

Labcorp Genetics (formerly Invitae), Labcorp
Classification: Uncertain significance for Alstrom syndrome. Last evaluated: 2021-12-25. Review status: criteria provided, single submitter. Criteria: Invitae Variant Classification Sherloc (09022015). Collection method: clinical testing. Allele origin: germline.
Comment: This sequence change affects codon 273 of the ALMS1 mRNA. It is a 'silent' change, meaning that it does not change the encoded amino acid sequence of the ALMS1 protein. This variant is not present in population databases (gnomAD no frequency). This variant has not been reported in the literature in individuals affected with ALMS1-related conditions. Algorithms developed to predict the effect of sequence changes on RNA splicing suggest that this variant may create or strengthen a splice site. In summary, the available evidence is currently insufficient to determine the role of this variant in disease. Therefore, it has been classified as a Variant of Uncertain Significance.

NM_001378454.1(ALMS1):c.816A>G (p.Glu272=)

Gene: ALMS1 (ALMS1 centrosome and basal body associated protein; plus strand). Cytogenetic location: 2p13.1.
Variant type: single nucleotide variant.
Coding change: c.816A>G on transcript NM_001378454.1 (MANE Select); coding-DNA position 816, A replaced by G.
Protein change: p.Glu272=; no amino-acid change (glutamic acid 272 retained).
Molecular consequence: synonymous variant.
Genome position (GRCh38, 1-based): chr2:73,424,481, A>G. VCF-style: chr2-73424481-A-G. GRCh37 (hg19) VCF-style: chr2-73651609-A-G.
Other names: c.819A>G, p.Glu273= (NM_015120.4).
Identifiers: ClinVar variation 2059441 (VCV002059441.4), dbSNP rs2466045909, ClinGen allele CA427018434.
Genomic context (GRCh38, chr2:73,424,481, plus strand): 5'-TATTTTCAGGGGAATTCCTGATAAGTCTGAAGATACTGAATGGTCTTCTCGACCATCGGA[A>G]GTTAGTGAAGCTTTATTCCAGGCTACTGCAGAAGTAGCTTCAGACTTAGCAAGCAGTCGC-3'
Protein context (NP_001365383.1, residues 262-282): EDTEWSSRPS[Glu272=]VSEALFQATA